The following is an entry in ClinVar:

ClinVar aggregate classification (germline): Uncertain significance (1 of 4 stars; one submission).

Conditions:
Congenital contractural arachnodactyly (CCA). Also called: Beals-Hecht syndrome; BEALS SYNDROME; Arthrogryposis, distal, type 9. Identifiers: Orphanet 115, MedGen C0220668, MONDO:0007363, OMIM 121050.

Allele frequency attached by ClinVar (database versions not stated): gnomAD exomes below 0.00001.
gnomAD v4.1: 5 of 1,613,642 alleles (0.00031%); highest among the groups gnomAD compares: Admixed American, 0.0033%; no homozygotes.

Submission:

Labcorp Genetics (formerly Invitae), Labcorp
Classification: Uncertain significance for Congenital contractural arachnodactyly. Last evaluated: 2024-12-31. Review status: criteria provided, single submitter. Criteria: Invitae Variant Classification Sherloc (09022015). Collection method: clinical testing. Allele origin: germline.
Comment: This sequence change replaces isoleucine, which is neutral and non-polar, with threonine, which is neutral and polar, at codon 497 of the FBN2 protein (p.Ile497Thr). This variant is not present in population databases (gnomAD no frequency). This variant has not been reported in the literature in individuals affected with FBN2-related conditions. ClinVar contains an entry for this variant (Variation ID: 2145315). Invitae Evidence Modeling of protein sequence and biophysical properties (such as structural, functional, and spatial information, amino acid conservation, physicochemical variation, residue mobility, and thermodynamic stability) indicates that this missense variant is not expected to disrupt FBN2 protein function with a negative predictive value of 80%. In summary, the available evidence is currently insufficient to determine the role of this variant in disease. Therefore, it has been classified as a Variant of Uncertain Significance.

NM_001999.4(FBN2):c.1490T>C (p.Ile497Thr)

Gene: FBN2 (fibrillin 2; minus strand). Cytogenetic location: 5q23.3.
Variant type: single nucleotide variant.
Coding change: c.1490T>C on transcript NM_001999.4 (MANE Select); coding-DNA position 1490, T replaced by C.
Protein change: p.Ile497Thr; replaces isoleucine 497 with threonine.
Molecular consequence: missense variant.
Genome position (GRCh38, 1-based): chr5:128,392,131, A>G on the plus strand (T>C on the coding strand, the complement: FBN2 is on the minus strand). VCF-style: chr5-128392131-A-G. GRCh37 (hg19) VCF-style: chr5-127727824-A-G.
Other names: short protein forms I497T.
Identifiers: ClinVar variation 2145315 (VCV002145315.4), dbSNP rs2479433256, ClinGen allele CA360748055.